The following is an entry in ClinVar:

NM_002709.3(PPP1CB):c.983_*15dup (p.Arg327_Ter328=)

Gene: PPP1CB (protein phosphatase 1 catalytic subunit beta; plus strand). Cytogenetic location: 2p23.2.
Variant type: Duplication.
Coding change: c.983_*15dup on transcript NM_002709.3 (MANE Select); coding-DNA position 983 through 15 bases downstream of the stop codon, 17 bases duplicated (GAAGAAAGGAATTCTGT).
Protein change: p.Arg327_Ter328=.
Molecular consequence: no sequence alteration.
Genome position (GRCh38, 1-based): chr2:28,799,302-28,799,318, GAAGAAAGGAATTCTGT duplicated; duplicating any 17 consecutive bases within chr2:28,799,300-28,799,318 gives the same sequence; the c. name uses the placement nearest the transcript's 3' end. VCF-style (leftmost placement, unchanged base first): chr2-28799299-G-GGTGAAGAAAGGAATTCT. GRCh37 (hg19) VCF-style: chr2-29022165-G-GGTGAAGAAAGGAATTCT.
Other names: c.983_*15dup, p.Arg327_Ter328= (NM_206876.2).
Identifiers: ClinVar variation 2891989 (VCV002891989.3), dbSNP rs746048635, ClinGen allele CA1589352.

ClinVar aggregate classification (germline): Uncertain significance (1 of 4 stars; one submission).

Submission:

Labcorp Genetics (formerly Invitae), Labcorp
Classification: Uncertain significance. Last evaluated: 2025-07-27. Review status: criteria provided, single submitter. Criteria: Invitae Variant Classification Sherloc (09022015). Collection method: clinical testing. Allele origin: germline.
Comment: This variant occurs in a non-coding region of the PPP1CB gene. It does not change the encoded amino acid sequence of the PPP1CB protein. This variant is present in population databases (rs746048635, gnomAD 0.0009%). This variant has not been reported in the literature in individuals affected with PPP1CB-related conditions. ClinVar contains an entry for this variant (Variation ID: 2891989). Experimental studies and prediction algorithms are not available or were not evaluated, and the functional significance of this variant is currently unknown. In summary, the available evidence is currently insufficient to determine the role of this variant in disease. Therefore, it has been classified as a Variant of Uncertain Significance.